The following is an entry in ClinVar:

ClinVar aggregate classification (germline): Likely benign. Review status: criteria provided, multiple submitters, no conflicts (2 of 4 stars). 2 submissions from 2 submitters: Likely benign (2). Last evaluated 2025-12-02.

Conditions:
RYR1-related disorder. Also called: RYR1-related condition; RYR1-related disorders. Identifiers: MedGen CN239331.

Allele frequency attached by ClinVar (database versions not stated): gnomAD exomes 0.00002; gnomAD 0.00008 and 0.00009; TOPMed 0.00008.
gnomAD v4.1: 16 of 1,324,646 alleles (0.0012%); highest among the groups gnomAD compares: African/African-American, 0.02%; no homozygotes.

Submissions (2):

Labcorp Genetics (formerly Invitae), Labcorp
Classification: Likely benign for RYR1-related disorder. Last evaluated: 2025-12-02. Review status: criteria provided, single submitter. Criteria: Invitae Variant Classification Sherloc (09022015). Collection method: clinical testing. Allele origin: germline.

PreventionGenetics, part of Exact Sciences
Classification: Likely benign for RYR1-related condition. Last evaluated: 2025-02-21. Review status: criteria provided, single submitter. Criteria: ACMG Guidelines, 2015. Collection method: clinical testing. Allele origin: germline.
Comment: This variant is classified as likely benign based on ACMG/AMP sequence variant interpretation guidelines (Richards et al. 2015 PMID: 25741868, with internal and published modifications).

NM_000540.3(RYR1):c.13035C>T (p.Ala4345=)

Gene: RYR1 (ryanodine receptor 1; plus strand). Cytogenetic location: 19q13.2.
Variant type: single nucleotide variant.
Coding change: c.13035C>T on transcript NM_000540.3 (MANE Select); coding-DNA position 13035, C replaced by T.
Protein change: p.Ala4345=; no amino-acid change (alanine 4345 retained).
Molecular consequence: synonymous variant.
Genome position (GRCh38, 1-based): chr19:38,565,369, C>T. VCF-style: chr19-38565369-C-T. GRCh37 (hg19) VCF-style: chr19-39056009-C-T.
Other names: c.13020C>T, p.Ala4340= (NM_001042723.2).
Identifiers: ClinVar variation 478179 (VCV000478179.12), dbSNP rs898175740, ClinGen allele CA308109479.